The following is an entry in ClinVar:

NM_001206927.2(DNAH8):c.9839A>T (p.Gln3280Leu)

Genes: DNAH8 (dynein axonemal heavy chain 8; plus strand), DNAH8-AS1 (DNAH8 antisense RNA 1; minus strand). Cytogenetic location: 6p21.2.
Variant type: single nucleotide variant.
Coding change: c.9839A>T on transcript NM_001206927.2 (MANE Select); coding-DNA position 9839, A replaced by T.
Protein change: p.Gln3280Leu; replaces glutamine 3280 with leucine.
Molecular consequence: missense variant.
Genome position (GRCh38, 1-based): chr6:38,911,566, A>T. VCF-style: chr6-38911566-A-T. GRCh37 (hg19) VCF-style: chr6-38879342-A-T.
Other names: c.9188A>T, p.Gln3063Leu (NM_001371.4); short protein forms Q3280L, Q3063L.
Identifiers: ClinVar variation 407280 (VCV000407280.8), dbSNP rs180859001, ClinGen allele CA3790576.
Genomic context (GRCh38, chr6:38,911,566, plus strand): 5'-TCTCATTTATAAATGGTTATAAAAACATTTATGCTGAAAAGGTGAAGTTCATTAATGAAC[A>T]GGCTGAACGTATGAATATTGGTAAGAGGAATGGAATGGAATGGGATGGAATAGAAATAGG-3'
Protein context (NP_001193856.1, residues 3270-3290): YAEKVKFINE[Gln3280Leu]AERMNIGLDK

ClinVar aggregate classification (germline): Uncertain significance. Review status: criteria provided, multiple submitters, no conflicts (2 of 4 stars). 2 submissions from 2 submitters: Uncertain significance (2). Last evaluated 2023-09-17.

Conditions:
Primary ciliary dyskinesia. Also called: Ciliary dyskinesia. Identifiers: Orphanet 244, MedGen C0008780, MONDO:0016575, HP:0012265.

Allele frequency attached by ClinVar (database versions not stated): ExAC 0.00004; gnomAD 0.00020; TOPMed 0.00026; 1000 Genomes Project 0.00060; 1000 Genomes Project 30x 0.00062.
gnomAD v4.1: 77 of 1,603,054 alleles (0.0048%); highest among the groups gnomAD compares: Admixed American, 0.12%; no homozygotes.

Submissions (2):

Labcorp Genetics (formerly Invitae), Labcorp
Classification: Uncertain significance for Primary ciliary dyskinesia. Last evaluated: 2023-09-17. Review status: criteria provided, single submitter. Criteria: Invitae Variant Classification Sherloc (09022015). Collection method: clinical testing. Allele origin: germline.
Comment: In summary, the available evidence is currently insufficient to determine the role of this variant in disease. Therefore, it has been classified as a Variant of Uncertain Significance. Advanced modeling of protein sequence and biophysical properties (such as structural, functional, and spatial information, amino acid conservation, physicochemical variation, residue mobility, and thermodynamic stability) performed at Invitae indicates that this missense variant is not expected to disrupt DNAH8 protein function. ClinVar contains an entry for this variant (Variation ID: 407280). This variant has not been reported in the literature in individuals affected with DNAH8-related conditions. This variant is present in population databases (rs180859001, gnomAD 0.06%). This sequence change replaces glutamine, which is neutral and polar, with leucine, which is neutral and non-polar, at codon 3280 of the DNAH8 protein (p.Gln3280Leu).

Breakthrough Genomics
Classification: Uncertain significance. Review status: criteria provided, single submitter. Criteria: ACMG Guidelines, 2015. Collection method: not provided. Allele origin: germline. Inheritance: Autosomal recessive inheritance. Affected: yes.